The following is an entry in ClinVar:

NM_182961.4(SYNE1):c.12266A>T (p.Tyr4089Phe)

Gene: SYNE1 (spectrin repeat containing nuclear envelope protein 1; minus strand). Cytogenetic location: 6q25.2.
Variant type: single nucleotide variant.
Coding change: c.12266A>T on transcript NM_182961.4 (MANE Select); coding-DNA position 12266, A replaced by T.
Protein change: p.Tyr4089Phe; replaces tyrosine 4089 with phenylalanine.
Molecular consequence: missense variant.
Genome position (GRCh38, 1-based): chr6:152,339,326, T>A on the plus strand (A>T on the coding strand, the complement: SYNE1 is on the minus strand). VCF-style: chr6-152339326-T-A. GRCh37 (hg19) VCF-style: chr6-152660461-T-A.
Other names: c.12053A>T, p.Tyr4018Phe (NM_033071.5); c.12053A>T (NM_033071.3); short protein forms Y4018F, Y4089F.
Identifiers: ClinVar variation 1513089 (VCV001513089.7), dbSNP rs1294787806, ClinGen allele CA366109866.

ClinVar aggregate classification (germline): Uncertain significance. Review status: criteria provided, multiple submitters, no conflicts (2 of 4 stars). 2 submissions from 2 submitters: Uncertain significance (2). Last evaluated 2022-11-01.

Conditions:
Emery-Dreifuss muscular dystrophy 4, autosomal dominant (EDMD4). Also called: EMERY-DREIFUSS MUSCULAR DYSTROPHY 4 WITH VARIABLE FEATURES. Identifiers: Orphanet 261, MedGen C2751807, MONDO:0013071, OMIM 612998.
Autosomal recessive ataxia, Beauce type. Also called: Spinocerebellar ataxia, autosomal recessive 8; ATAXIA, RECESSIVE, OF BEAUCE; SYNE1 Deficiency; SYNE1-Related Autosomal Recessive Cerebellar Ataxia. Identifiers: Orphanet 88644, MedGen C1853116, MONDO:0012549, OMIM 610743.

Allele frequency attached by ClinVar (database versions not stated): gnomAD exomes below 0.00001 and 0.00001.
gnomAD v4.1: 4 of 1,614,048 alleles (0.00025%); highest among the groups gnomAD compares: Non-Finnish European, 0.00034%; no homozygotes.

Submissions (2):

Labcorp Genetics (formerly Invitae), Labcorp
Classification: Uncertain significance for Emery-Dreifuss muscular dystrophy 4, autosomal dominant; Autosomal recessive ataxia, Beauce type. Last evaluated: 2022-11-01. Review status: criteria provided, single submitter. Criteria: Invitae Variant Classification Sherloc (09022015). Collection method: clinical testing. Allele origin: germline.
Comment: This sequence change replaces tyrosine, which is neutral and polar, with phenylalanine, which is neutral and non-polar, at codon 4018 of the SYNE1 protein (p.Tyr4018Phe). This variant is present in population databases (no rsID available, gnomAD 0.002%). This variant has not been reported in the literature in individuals affected with SYNE1-related conditions. ClinVar contains an entry for this variant (Variation ID: 1513089). Algorithms developed to predict the effect of missense changes on protein structure and function are either unavailable or do not agree on the potential impact of this missense change (SIFT: "Deleterious"; PolyPhen-2: "Probably Damaging"; Align-GVGD: "Class C15"). In summary, the available evidence is currently insufficient to determine the role of this variant in disease. Therefore, it has been classified as a Variant of Uncertain Significance.

Revvity Omics, Revvity
Classification: Uncertain significance. Last evaluated: 2019-11-08. Review status: criteria provided, single submitter. Criteria: ACMG Guidelines, 2015. Collection method: clinical testing. Allele origin: germline.